The following is an entry in ClinVar:

NM_001292063.2(OTOG):c.1052C>A (p.Ala351Asp)

Gene: OTOG (otogelin; plus strand). Cytogenetic location: 11p15.1.
Variant type: single nucleotide variant.
Coding change: c.1052C>A on transcript NM_001292063.2 (MANE Select); coding-DNA position 1052, C replaced by A.
Protein change: p.Ala351Asp; replaces alanine 351 with aspartic acid.
Molecular consequence: missense variant.
Genome position (GRCh38, 1-based): chr11:17,558,593, C>A. VCF-style: chr11-17558593-C-A. GRCh37 (hg19) VCF-style: chr11-17580140-C-A.
Other names: c.1088C>A, p.Ala363Asp (NM_001277269.2); short protein forms A351D, A363D.
Identifiers: ClinVar variation 3906740 (VCV003906740.1).

ClinVar aggregate classification (germline): Uncertain significance (1 of 4 stars; one submission).

gnomAD v4.1: 8 of 1,550,474 alleles (0.00052%); highest among the groups gnomAD compares: South Asian, 0.0095%; no homozygotes.

Submission:

GeneDx
Classification: Uncertain significance. Last evaluated: 2024-12-19. Review status: criteria provided, single submitter. Criteria: GeneDx Variant Classification Process June 2021. Collection method: clinical testing. Allele origin: germline. Affected: yes.
Comment: In silico analysis indicates that this missense variant does not alter protein structure/function; Has not been previously published as pathogenic or benign to our knowledge